The following is an entry in ClinVar:

NM_003664.5(AP3B1):c.1979G>A (p.Trp660Ter)

Gene: AP3B1 (adaptor related protein complex 3 subunit beta 1; minus strand). Cytogenetic location: 5q14.1.
Variant type: single nucleotide variant.
Coding change: c.1979G>A on transcript NM_003664.5 (MANE Select); coding-DNA position 1979, G replaced by A.
Protein change: p.Trp660Ter; replaces tryptophan 660 with a stop codon.
Molecular consequence: nonsense.
Genome position (GRCh38, 1-based): chr5:78,116,224, C>T on the plus strand (G>A on the coding strand, the complement: AP3B1 is on the minus strand). VCF-style: chr5-78116224-C-T. GRCh37 (hg19) VCF-style: chr5-77412048-C-T.
Other names: c.1832G>A, p.Trp611Ter (NM_001271769.2); c.1979G>A, p.Trp660Ter (NM_001410752.1); short protein forms W660*, W611*.
Identifiers: ClinVar variation 4724909 (VCV004724909.1).
Genomic context (GRCh38, chr5:78,116,224, plus strand): 5'-TCAGATTCAGAATAAAACTTCTTAGCAGAATTCTCTTGCTTTGCTTTTCCTGCTGGGGTC[C>T]ATTCTTTTGCCTGTTTAAACAAATAAAGTAAATATAAATGAATTCTCATTCAGAGATTTA-3'

ClinVar aggregate classification (germline): Pathogenic (1 of 4 stars; one submission).

Conditions:
Hermansky-Pudlak syndrome 2 (HPS2). Also called: Platelet defects and oculocutaneous albinism. Identifiers: Orphanet 183678, Orphanet 79430, MedGen C1842362, MONDO:0011997, OMIM 608233.

Submission:

Labcorp Genetics (formerly Invitae), Labcorp
Classification: Pathogenic for Hermansky-Pudlak syndrome 2. Last evaluated: 2026-01-05. Review status: criteria provided, single submitter. Criteria: Invitae Variant Classification Sherloc (09022015). Collection method: clinical testing. Allele origin: germline.
Comment: This sequence change creates a premature translational stop signal (p.Trp660*) in the AP3B1 gene. It is expected to result in an absent or disrupted protein product. Loss-of-function variants in AP3B1 are known to be pathogenic (PMID: 16507770, 23403622). This variant is not present in population databases (gnomAD no frequency). This variant has not been reported in the literature in individuals affected with AP3B1-related conditions. For these reasons, this variant has been classified as Pathogenic.

Literature cited by the submitters: PubMed 16507770; PubMed 23403622.